The following is an entry in ClinVar:

ClinVar aggregate classification (germline): Uncertain significance (1 of 4 stars; one submission).

Conditions:
Malignant hyperthermia, susceptibility to, 1 (MHS1). Also called: Anesthesia related hyperthermia; Malignant hyperpyrexia; Fulminating hyperpyrexia; Pharmacogenic myopathy; Malignant hyperthermia suceptibility 1; RYR1-Related Malignant Hyperthermia Susceptibility. Identifiers: Orphanet 423, MedGen C2930980, MONDO:0007783, OMIM 145600.

Submission:

All of Us Research Program, National Institutes of Health
Classification: Uncertain significance for Malignant hyperthermia, susceptibility to, 1. Last evaluated: 2024-07-10. Review status: criteria provided, single submitter. Criteria: ACMG Guidelines, 2015. Collection method: clinical testing. Allele origin: germline. Inheritance: Autosomal dominant inheritance. Observed: 1 variant allele, 1 heterozygote.
Comment: This missense variant replaces glutamic acid with glutamine at codon 3454 of the RYR1 protein. Computational prediction is inconclusive regarding the impact of this variant on protein structure and function. To our knowledge, functional studies have not been reported for this variant. This variant has not been reported in individuals affected with RYR1-related disorders in the literature. This variant has not been identified in the general population by the Genome Aggregation Database (gnomAD). The available evidence is insufficient to determine the role of this variant in disease conclusively. Therefore, this variant is classified as a Variant of Uncertain Significance.

This study involves interpretation of variants in research participants for the purpose of population health screening. Participant phenotype was not available at the time of variant classification. Additional details can be found in publication PMID: 35346344, PMCID: PMC8962531

NM_000540.3(RYR1):c.10360G>C (p.Glu3454Gln)

Gene: RYR1 (ryanodine receptor 1; plus strand). Cytogenetic location: 19q13.2.
Variant type: single nucleotide variant.
Coding change: c.10360G>C on transcript NM_000540.3 (MANE Select); coding-DNA position 10360, G replaced by C.
Protein change: p.Glu3454Gln; replaces glutamic acid 3454 with glutamine.
Molecular consequence: missense variant.
Genome position (GRCh38, 1-based): chr19:38,523,229, G>C. VCF-style: chr19-38523229-G-C. GRCh37 (hg19) VCF-style: chr19-39013869-G-C.
Other names: c.10360G>C, p.Glu3454Gln (NM_001042723.2); short protein forms E3454Q.
Identifiers: ClinVar variation 3385527 (VCV003385527.1).